The following is an entry in ClinVar:

NM_000553.6(WRN):c.2176A>G (p.Thr726Ala)

Gene: WRN (WRN RecQ like helicase; plus strand). Cytogenetic location: 8p12.
Variant type: single nucleotide variant.
Coding change: c.2176A>G on transcript NM_000553.6 (MANE Select); coding-DNA position 2176, A replaced by G.
Protein change: p.Thr726Ala; replaces threonine 726 with alanine.
Molecular consequence: missense variant.
Genome position (GRCh38, 1-based): chr8:31,111,702, A>G. VCF-style: chr8-31111702-A-G. GRCh37 (hg19) VCF-style: chr8-30969218-A-G.
Other names: short protein forms T726A.
Identifiers: ClinVar variation 957968 (VCV000957968.5), dbSNP rs1801324401, ClinGen allele CA370912694.

ClinVar aggregate classification (germline): Uncertain significance (1 of 4 stars; one submission).

Conditions:
Werner syndrome (WRN). Identifiers: Orphanet 902, MedGen C0043119, MONDO:0010196, OMIM 277700.

Submission:

Labcorp Genetics (formerly Invitae), Labcorp
Classification: Uncertain significance for Werner syndrome. Last evaluated: 2023-10-10. Review status: criteria provided, single submitter. Criteria: Invitae Variant Classification Sherloc (09022015). Collection method: clinical testing. Allele origin: germline.
Comment: This sequence change replaces threonine, which is neutral and polar, with alanine, which is neutral and non-polar, at codon 726 of the WRN protein (p.Thr726Ala). This variant is not present in population databases (gnomAD no frequency). This variant has not been reported in the literature in individuals affected with WRN-related conditions. ClinVar contains an entry for this variant (Variation ID: 957968). An algorithm developed to predict the effect of missense changes on protein structure and function (PolyPhen-2) suggests that this variant is likely to be disruptive. In summary, the available evidence is currently insufficient to determine the role of this variant in disease. Therefore, it has been classified as a Variant of Uncertain Significance.